The following is an entry in ClinVar:

NM_004304.5(ALK):c.2741G>A (p.Gly914Glu)

Gene: ALK (ALK receptor tyrosine kinase; minus strand). Cytogenetic location: 2p23.2.
Variant type: single nucleotide variant.
Coding change: c.2741G>A on transcript NM_004304.5 (MANE Select); coding-DNA position 2741, G replaced by A.
Protein change: p.Gly914Glu; replaces glycine 914 with glutamic acid.
Molecular consequence: missense variant.
Genome position (GRCh38, 1-based): chr2:29,228,958, C>T on the plus strand (G>A on the coding strand, the complement: ALK is on the minus strand). VCF-style: chr2-29228958-C-T. GRCh37 (hg19) VCF-style: chr2-29451824-C-T.
Other names: p.Gly914Glu; c.2741G>A (NM_004304.4); short protein forms G914E.
Identifiers: ClinVar variation 2169678 (VCV002169678.7), dbSNP rs1358074797, ClinGen allele CA346469733.

ClinVar aggregate classification (germline): Uncertain significance. Review status: criteria provided, multiple submitters, no conflicts (2 of 4 stars). 3 submissions from 3 submitters: Uncertain significance (3). Last evaluated 2025-10-24.

Conditions:
Hereditary cancer-predisposing syndrome. Also called: Neoplastic Syndromes, Hereditary; Hereditary neoplastic syndrome; Hereditary Cancer Syndrome; Tumor predisposition. Identifiers: Orphanet 140162, MedGen C0027672, MeSH D009386, MONDO:0015356.
Neuroblastoma, susceptibility to, 3. Also called: ALK-Related Neuroblastic Tumor Susceptibility. Identifiers: Orphanet 635, MedGen C2751681, MONDO:0013083, OMIM 613014.

Allele frequency attached by ClinVar (database versions not stated): gnomAD exomes below 0.00001.
gnomAD v4.1: 4 of 1,599,602 alleles (0.00025%); highest among the groups gnomAD compares: South Asian, 0.0022%; 1 homozygote.

Submissions (3):

Mayo Clinic Laboratories, Mayo Clinic
Classification: Uncertain significance. Last evaluated: 2025-10-24. Review status: criteria provided, single submitter. Criteria: ACMG Guidelines, 2015. Collection method: clinical testing. Allele origin: germline. Observed: 1 variant allele.
Comment: PM2_supporting

Ambry Genetics
Classification: Uncertain significance for Hereditary cancer-predisposing syndrome. Last evaluated: 2025-09-17. Review status: criteria provided, single submitter. Criteria: Ambry Variant Classification Scheme 2023. Collection method: clinical testing. Allele origin: germline.
Comment: The p.G914E variant (also known as c.2741G>A), located in coding exon 16 of the ALK gene, results from a G to A substitution at nucleotide position 2741. The glycine at codon 914 is replaced by glutamic acid, an amino acid with similar properties. This amino acid position is conserved. In addition, this alteration is predicted to be deleterious by in silico analysis. Since supporting evidence is limited at this time, the clinical significance of this alteration remains unclear.

Labcorp Genetics (formerly Invitae), Labcorp
Classification: Uncertain significance for Neuroblastoma, susceptibility to, 3. Last evaluated: 2022-03-12. Review status: criteria provided, single submitter. Criteria: Invitae Variant Classification Sherloc (09022015). Collection method: clinical testing. Allele origin: germline.
Comment: This sequence change replaces glycine, which is neutral and non-polar, with glutamic acid, which is acidic and polar, at codon 914 of the ALK protein (p.Gly914Glu). This variant is present in population databases (no rsID available, gnomAD 0.007%). This variant has not been reported in the literature in individuals affected with ALK-related conditions. Algorithms developed to predict the effect of missense changes on protein structure and function (SIFT, PolyPhen-2, Align-GVGD) all suggest that this variant is likely to be disruptive. Algorithms developed to predict the effect of sequence changes on RNA splicing suggest that this variant may disrupt the consensus splice site. In summary, the available evidence is currently insufficient to determine the role of this variant in disease. Therefore, it has been classified as a Variant of Uncertain Significance.